The following is an entry in ClinVar:

NM_001395426.1(PDE4DIP):c.*68G>A

Gene: PDE4DIP (phosphodiesterase 4D interacting protein; plus strand). Cytogenetic location: 1q21.2.
Variant type: single nucleotide variant.
Coding change: c.*68G>A on transcript NM_001395426.1 (MANE Select); 68 bases downstream of the stop codon, G replaced by A.
Molecular consequence: 3 prime UTR variant. On other transcripts: nonsense (12).
Genome position (GRCh38, 1-based): chr1:149,032,053, G>A. VCF-style: chr1-149032053-G-A. GRCh37 (hg19) VCF-style: chr1-144852390-C-T.
Other names: c.*68G>A (NM_001198832.4, NM_001350520.2, NM_001377392.2 and 12 more transcripts); c.7053G>A, p.Trp2351Ter (NM_001198834.5); c.7347G>A, p.Trp2449Ter (NM_001350521.4); c.7002G>A, p.Trp2334Ter (NM_001350522.3); c.6732G>A, p.Trp2244Ter (NM_001350523.3); c.7542G>A, p.Trp2514Ter (NM_001395297.1); c.7353G>A, p.Trp2451Ter (NM_001395299.1); c.7113G>A, p.Trp2371Ter (NM_001395302.1); and 5 more; short protein forms W2351*, W2334*, W2244*, W2449*, W2164*, W2245*, W2274*, W2307*.
Identifiers: ClinVar variation 403293 (VCV000403293.5), dbSNP rs1553638882, ClinGen allele CA1044310.

ClinVar aggregate classification (germline): Benign. Review status: criteria provided, multiple submitters, no conflicts (2 of 4 stars). 2 submissions from 2 submitters: Benign (2). Last evaluated 2016-03-28.

Allele frequency attached by ClinVar (database versions not stated): gnomAD 0.00030 and 0.00033; ExAC 0.50002.

Submissions (2):

Laboratory for Molecular Medicine, Mass General Brigham Personalized Medicine
Classification: Benign. Last evaluated: 2016-03-28. Review status: criteria provided, single submitter. Criteria: LMM Criteria. Collection method: clinical testing. Allele origin: germline.
Comment: Variant identified in a genome or exome case(s) and assessed due to predicted null impact of the variant or pathogenic assertions in the literature or databases. Disclaimer: This variant has not undergone full assessment. The following are preliminary notes: ExAC frequency

Breakthrough Genomics
Classification: Benign. Review status: criteria provided, single submitter. Criteria: ACMG Guidelines, 2015. Collection method: not provided. Allele origin: germline. Inheritance: Unknown mechanism. Affected: yes.